The following is an entry in ClinVar:

ClinVar aggregate classification (germline): Uncertain significance (1 of 4 stars; one submission).

Conditions:
Werner syndrome (WRN). Identifiers: Orphanet 902, MedGen C0043119, MONDO:0010196, OMIM 277700.

Submission:

Labcorp Genetics (formerly Invitae), Labcorp
Classification: Uncertain significance for Werner syndrome. Last evaluated: 2022-11-15. Review status: criteria provided, single submitter. Criteria: Invitae Variant Classification Sherloc (09022015). Collection method: clinical testing. Allele origin: germline.
Comment: This variant, c.2070_2072del, results in the deletion of 1 amino acid(s) of the WRN protein (p.Lys691del), but otherwise preserves the integrity of the reading frame. This variant is not present in population databases (gnomAD no frequency). This variant has not been reported in the literature in individuals affected with WRN-related conditions. ClinVar contains an entry for this variant (Variation ID: 1404298). Experimental studies and prediction algorithms are not available or were not evaluated, and the functional significance of this variant is currently unknown. In summary, the available evidence is currently insufficient to determine the role of this variant in disease. Therefore, it has been classified as a Variant of Uncertain Significance.

NM_000553.6(WRN):c.2070_2072del (p.Lys691del)

Gene: WRN (WRN RecQ like helicase; plus strand). Cytogenetic location: 8p12.
Variant type: Deletion.
Coding change: c.2070_2072del on transcript NM_000553.6 (MANE Select); coding-DNA positions 2070 to 2072, 3 bases deleted (AAA; older notation c.2070_2072delAAA).
Protein change: p.Lys691del; deletes lysine 691.
Molecular consequence: inframe deletion.
Genome position (GRCh38, 1-based): chr8:31,100,937-31,100,939, AAA deleted. VCF-style (leftmost placement, unchanged base first): chr8-31100936-TAAA-T. GRCh37 (hg19) VCF-style: chr8-30958452-TAAA-T.
Other names: short protein forms K691del.
Identifiers: ClinVar variation 1404298 (VCV001404298.6), dbSNP rs2130230017, ClinGen allele CA2573142652.